The following is an entry in ClinVar:

ClinVar aggregate classification (germline): Uncertain significance. Review status: criteria provided, multiple submitters, no conflicts (2 of 4 stars). 2 submissions from 2 submitters: Uncertain significance (2). Last evaluated 2024-07-10.

Conditions:
Inborn genetic diseases. Identifiers: MedGen C0950123, MeSH D030342.

Submissions (2):

Ambry Genetics
Classification: Uncertain significance for Inborn genetic diseases. Last evaluated: 2024-07-10. Review status: criteria provided, single submitter. Criteria: Ambry Variant Classification Scheme 2023. Collection method: clinical testing. Allele origin: germline.

Labcorp Genetics (formerly Invitae), Labcorp
Classification: Uncertain significance. Last evaluated: 2022-06-20. Review status: criteria provided, single submitter. Criteria: Invitae Variant Classification Sherloc (09022015). Collection method: clinical testing. Allele origin: germline.
Comment: In summary, the available evidence is currently insufficient to determine the role of this variant in disease. Therefore, it has been classified as a Variant of Uncertain Significance. This variant has not been reported in the literature in individuals affected with REST-related conditions. Algorithms developed to predict the effect of missense changes on protein structure and function are either unavailable or do not agree on the potential impact of this missense change (SIFT: "Deleterious"; PolyPhen-2: "Probably Damaging"; Align-GVGD: "Class C15"). This variant is present in population databases (no rsID available, gnomAD 0.007%). This sequence change replaces histidine, which is basic and polar, with glutamine, which is neutral and polar, at codon 365 of the REST protein (p.His365Gln).

NM_005612.5(REST):c.1095C>G (p.His365Gln)

Gene: REST (RE1 silencing transcription factor; plus strand). Cytogenetic location: 4q12.
Variant type: single nucleotide variant.
Coding change: c.1095C>G on transcript NM_005612.5 (MANE Select); coding-DNA position 1095, C replaced by G.
Protein change: p.His365Gln; replaces histidine 365 with glutamine.
Molecular consequence: missense variant.
Genome position (GRCh38, 1-based): chr4:56,929,953, C>G. VCF-style: chr4-56929953-C-G. GRCh37 (hg19) VCF-style: chr4-57796119-C-G.
Other names: c.1095C>G, p.His365Gln (NM_001193508.2, NM_001363453.3); short protein forms H365Q.
Identifiers: ClinVar variation 2006063 (VCV002006063.5), dbSNP rs139443175, ClinGen allele CA357005838.